The following is an entry in ClinVar:

ClinVar aggregate classification (germline): Uncertain significance (1 of 4 stars; one submission).

Conditions:
DiGeorge syndrome. Also called: Catch22; THIRD AND FOURTH PHARYNGEAL POUCH SYNDROME. Identifiers: Orphanet 567, MedGen C0012236, MONDO:0008564, OMIM 188400.

gnomAD v4.1: 17 of 1,546,490 alleles (0.0011%); highest among the groups gnomAD compares: South Asian, 0.0081%; 1 homozygote.

Submission:

Labcorp Genetics (formerly Invitae), Labcorp
Classification: Uncertain significance for DiGeorge syndrome. Last evaluated: 2024-07-17. Review status: criteria provided, single submitter. Criteria: Invitae Variant Classification Sherloc (09022015). Collection method: clinical testing. Allele origin: germline.
Comment: This sequence change replaces glycine, which is neutral and non-polar, with arginine, which is basic and polar, at codon 440 of the TBX1 protein (p.Gly440Arg). This variant is present in population databases (no rsID available, gnomAD 0.01%), including at least one homozygous and/or hemizygous individual. This variant has not been reported in the literature in individuals affected with TBX1-related conditions. ClinVar contains an entry for this variant (Variation ID: 1372041). An algorithm developed to predict the effect of missense changes on protein structure and function (PolyPhen-2) suggests that this variant is likely to be disruptive. In summary, the available evidence is currently insufficient to determine the role of this variant in disease. Therefore, it has been classified as a Variant of Uncertain Significance.

NM_001379200.1(TBX1):c.1345G>C (p.Gly449Arg)

Gene: TBX1 (T-box transcription factor 1; plus strand). Cytogenetic location: 22q11.21.
Variant type: single nucleotide variant.
Coding change: c.1345G>C on transcript NM_001379200.1 (MANE Select); coding-DNA position 1345, G replaced by C.
Protein change: p.Gly449Arg; replaces glycine 449 with arginine.
Molecular consequence: missense variant. On other transcripts: intron variant (2).
Genome position (GRCh38, 1-based): chr22:19,766,697, G>C. VCF-style: chr22-19766697-G-C. GRCh37 (hg19) VCF-style: chr22-19754220-G-C.
Other names: c.1318G>C, p.Gly440Arg (NM_080647.1); c.1009+695G>C (NM_005992.1, NM_080646.2); short protein forms G440R, G449R.
Identifiers: ClinVar variation 1372041 (VCV001372041.6), dbSNP rs777873225, ClinGen allele CA410685075.